The following is an entry in ClinVar:

NM_001372044.2(SHANK3):c.870C>T (p.Arg290=)

Gene: SHANK3 (SH3 and multiple ankyrin repeat domains 3; plus strand). Cytogenetic location: 22q13.33.
Variant type: single nucleotide variant.
Coding change: c.870C>T on transcript NM_001372044.2 (MANE Select); coding-DNA position 870, C replaced by T.
Protein change: p.Arg290=; no amino-acid change (arginine 290 retained).
Molecular consequence: synonymous variant.
Genome position (GRCh38, 1-based): chr22:50,679,063, C>T. VCF-style: chr22-50679063-C-T. GRCh37 (hg19) VCF-style: chr22-51117491-C-T.
Other names: c.645C>T, p.Arg215= (NM_033517.1).
Identifiers: ClinVar variation 1753643 (VCV001753643.4), dbSNP rs760387314, ClinGen allele CA10325292.

ClinVar aggregate classification (germline): Likely benign. Review status: criteria provided, single submitter (1 of 4 stars). 2 submissions from 2 submitters: Likely benign (1). 1 of the submissions does not count toward it. Last evaluated 2017-09-08.

Conditions:
Inborn genetic diseases. Identifiers: MedGen C0950123, MeSH D030342.
SHANK3-related disorder. Also called: SHANK3-related condition.

Allele frequency attached by ClinVar (database versions not stated): ExAC 0.00002; gnomAD exomes 0.00002; TOPMed 0.00002; gnomAD 0.00003.

Submissions (2):

Ambry Genetics
Classification: Likely benign for Inborn genetic diseases. Last evaluated: 2017-09-08. Review status: criteria provided, single submitter. Criteria: Ambry Variant Classification Scheme 2023. Collection method: clinical testing. Allele origin: germline.

PreventionGenetics, part of Exact Sciences
Classification: Likely benign for SHANK3-related condition. Last evaluated: 2020-01-16. Review status: no assertion criteria provided. Collection method: clinical testing. Allele origin: germline. Not counted in ClinVar's aggregate classification.
Comment: This variant is classified as likely benign based on ACMG/AMP sequence variant interpretation guidelines (Richards et al. 2015 PMID: 25741868, with internal and published modifications).